The following is an entry in ClinVar:

ClinVar aggregate classification (germline): Pathogenic (1 of 4 stars; one submission).

Conditions:
Gorlin syndrome. Also called: Basal cell nevus syndrome; Nevoid Basal Cell Carcinoma Syndrome. Identifiers: Orphanet 377, MedGen C0004779, MONDO:0007187.

Submission:

Labcorp Genetics (formerly Invitae), Labcorp
Classification: Pathogenic for Gorlin syndrome. Last evaluated: 2017-08-24. Review status: criteria provided, single submitter. Criteria: Invitae Variant Classification Sherloc (09022015). Collection method: clinical testing. Allele origin: germline.
Comment: While this particular variant has not been reported in the literature, loss-of-function variants in PTCH1 are known to be pathogenic (PMID: 16301862, 16419085). For these reasons, this variant has been classified as Pathogenic. This variant is not present in population databases (ExAC no frequency). This variant is a gross deletion of the genomic region encompassing part of exon 10 of the PTCH1 gene, including the intron 9-exon 10 boundary (c.1348-14-1370del). This likely creates a premature translational stop signal and is expected to result in an absent or disrupted protein product.

Literature cited by the submitters: PubMed 16301862; PubMed 16419085.

NM_000264.5(PTCH1):c.1348-14_1370del

Gene: PTCH1 (patched 1; minus strand). Cytogenetic location: 9q22.32.
Variant type: Deletion.
Coding change: c.1348-14_1370del on transcript NM_000264.5 (MANE Select); 14 bases into the intron before coding-DNA position 1348 through coding-DNA position 1370, 37 bases deleted.
Molecular consequence: splice acceptor variant. On other transcripts: intron variant (1).
Genome position (GRCh38, 1-based): chr9:95,477,680-95,477,716, 37 bases deleted; deleting any 37 consecutive bases within chr9:95,477,680-95,477,720 gives the same sequence; the c. name uses the placement nearest the transcript's 3' end. GRCh37 (hg19): chr9:98,239,966-98,240,002.
Other names: c.1348-14_1370delTGTTCTGCTTGCAGCTCGCCTATGCCTGTCTAACCAT (NM_000264.3); c.1345-14_1367del (NM_001083603.3); c.1150-14_1172del (NM_001083602.3); c.1347+339_1347+375del (NM_001354918.2); c.895-14_917del (NM_001083605.3, NM_001083604.3, NM_001083606.3 and 1 more transcripts).
Identifiers: ClinVar variation 524578 (VCV000524578.9), dbSNP rs1554698613, ClinGen allele CA658797232.
Genomic context (GRCh38, chr9:95,477,679, plus strand): 5'-AACCAGCAGGACGCCAGCCAGCCCCACGGCACCCTGGGACTTGGAGCAGTCCCAGCGCAG[CATGGTTAGACAGGCATAGGCGAGCTGCAAGCAGAACA>C]ATGGGGGCACAGAACAAAAGCCGAACATTAGAATGTGTTGTGATTCTAATGTTTCCCTCC-3'